The following is an entry in ClinVar:

NM_003072.5(SMARCA4):c.314G>T (p.Gly105Val)

Gene: SMARCA4 (SWI/SNF related BAF chromatin remodeling complex subunit ATPase 4; plus strand). Cytogenetic location: 19p13.2.
Variant type: single nucleotide variant.
Coding change: c.314G>T on transcript NM_003072.5 (MANE Select); coding-DNA position 314, G replaced by T.
Protein change: p.Gly105Val; replaces glycine 105 with valine.
Molecular consequence: missense variant. On other transcripts: non-coding transcript variant (1).
Genome position (GRCh38, 1-based): chr19:10,985,364, G>T. VCF-style: chr19-10985364-G-T. GRCh37 (hg19) VCF-style: chr19-11096040-G-T.
Other names: c.314G>T, p.Gly105Val (NM_001128844.3, NM_001128845.2, NM_001128846.2 and 6 more transcripts); short protein forms G105V.
Identifiers: ClinVar variation 1728181 (VCV001728181.2), dbSNP rs2145751570, ClinGen allele CA404055273.

ClinVar aggregate classification (germline): Uncertain significance (1 of 4 stars; one submission).

Conditions:
Hereditary cancer-predisposing syndrome. Also called: Tumor predisposition; Neoplastic Syndromes, Hereditary; Hereditary Cancer Syndrome; Hereditary neoplastic syndrome. Identifiers: Orphanet 140162, MedGen C0027672, MeSH D009386, MONDO:0015356.

Submission:

Ambry Genetics
Classification: Uncertain significance for Hereditary cancer-predisposing syndrome. Last evaluated: 2020-09-02. Review status: criteria provided, single submitter. Criteria: Ambry Variant Classification Scheme 2023. Collection method: clinical testing. Allele origin: germline.
Comment: The p.G105V variant (also known as c.314G>T), located in coding exon 2 of the SMARCA4 gene, results from a G to T substitution at nucleotide position 314. The glycine at codon 105 is replaced by valine, an amino acid with dissimilar properties. This amino acid position is highly conserved in available vertebrate species. In addition, this alteration is predicted to be deleterious by in silico analysis. Since supporting evidence is limited at this time, the clinical significance of this alteration remains unclear.